The following is an entry in ClinVar:

ClinVar aggregate classification (germline): Uncertain significance. Review status: criteria provided, multiple submitters, no conflicts (2 of 4 stars). 2 submissions from 2 submitters: Uncertain significance (2). Last evaluated 2025-05-05.

Conditions:
Hereditary cancer-predisposing syndrome. Also called: Tumor predisposition; Neoplastic Syndromes, Hereditary; Hereditary Cancer Syndrome; Hereditary neoplastic syndrome. Identifiers: Orphanet 140162, MedGen C0027672, MeSH D009386, MONDO:0015356.

gnomAD v4.1: 3 of 1,610,344 alleles (0.00019%); highest among the groups gnomAD compares: South Asian, 0.0011%; no homozygotes.

Submissions (2):

Quest Diagnostics Nichols Institute San Juan Capistrano
Classification: Uncertain significance. Last evaluated: 2025-05-05. Review status: criteria provided, single submitter. Criteria: Quest Diagnostics criteria. Collection method: clinical testing. Allele origin: unknown.
Comment: The BRCA2 c.1258G>A (p.Asp420Asn) variant has been reported in the published literature in the somatic state in an individual with biliary tract cancer (PMID: 36072793 (2022)) and in reportedly unaffected individual (PMID: 35585550 (2022), 33471991 (2021), see also LOVD). This variant has not been reported in large, multi-ethnic general populations (Genome Aggregation Database). Analysis of this variant using bioinformatics tools for the prediction of the effect of amino acid changes on protein structure and function yielded predictions that this variant is benign. Based on the available information, we are unable to determine the clinical significance of this variant.

Ambry Genetics
Classification: Uncertain significance for Hereditary cancer-predisposing syndrome. Last evaluated: 2024-10-06. Review status: criteria provided, single submitter. Criteria: Ambry Variant Classification Scheme 2023. Collection method: clinical testing. Allele origin: germline.
Comment: The p.D420N variant (also known as c.1258G>A), located in coding exon 9 of the BRCA2 gene, results from a G to A substitution at nucleotide position 1258. The aspartic acid at codon 420 is replaced by asparagine, an amino acid with highly similar properties. This amino acid position is conserved. In addition, this alteration is predicted to be tolerated by in silico analysis. Based on the available evidence, the clinical significance of this variant remains unclear.

Literature cited by the submitters: PubMed 36072793 (cited by Quest Diagnostics Nichols Institute San Juan Capistrano); PubMed 35729312 (cited by Quest Diagnostics Nichols Institute San Juan Capistrano); PubMed 29884841 (cited by Quest Diagnostics Nichols Institute San Juan Capistrano); PubMed 35585550 (cited by Quest Diagnostics Nichols Institute San Juan Capistrano).

NM_000059.4(BRCA2):c.1258G>A (p.Asp420Asn)

Gene: BRCA2 (BRCA2 DNA repair associated; plus strand). Cytogenetic location: 13q13.1.
Variant type: single nucleotide variant.
Coding change: c.1258G>A on transcript NM_000059.4 (MANE Select); coding-DNA position 1258, G replaced by A.
Protein change: p.Asp420Asn; replaces aspartic acid 420 with asparagine.
Molecular consequence: missense variant. On other transcripts: non-coding transcript variant (1), intron variant (1).
Genome position (GRCh38, 1-based): chr13:32,332,736, G>A. VCF-style: chr13-32332736-G-A. GRCh37 (hg19) VCF-style: chr13-32906873-G-A.
Other names: c.1258G>A, p.Asp420Asn (NM_001406719.1, NM_001406720.1, NM_001406721.1 and 1 more transcripts); c.424+1706G>A (NM_001406722.1); short protein forms D420N.
Identifiers: ClinVar variation 3482126 (VCV003482126.2).